The following is an entry in ClinVar:

ClinVar aggregate classification (germline): Benign (1 of 4 stars; one submission).

Allele frequency attached by ClinVar (database versions not stated): gnomAD exomes 0.11027 and 0.11969; ExAC 0.12346; ESP Exome Variant Server 0.13353; gnomAD 0.13965 and 0.13973; TOPMed 0.14700; 1000 Genomes Project 0.17013; 1000 Genomes Project 30x 0.17224.
gnomAD v4.1: 183,535 of 1,613,972 alleles (11%); highest among the groups gnomAD compares: Middle Eastern, 22%; 11,695 homozygotes.

Submission:

Laboratory for Molecular Medicine, Mass General Brigham Personalized Medicine
Classification: Benign. Last evaluated: 2016-03-28. Review status: criteria provided, single submitter. Criteria: LMM Criteria. Collection method: clinical testing. Allele origin: germline.
Comment: Variant identified in a genome or exome case(s) and assessed due to predicted null impact of the variant or pathogenic assertions in the literature or databases. Disclaimer: This variant has not undergone full assessment. The following are preliminary notes: MAF

NM_002114.4(HIVEP1):c.5744A>G (p.Gln1915Arg)

Gene: HIVEP1 (HIVEP zinc finger 1; plus strand). Cytogenetic location: 6p24.1.
Variant type: single nucleotide variant.
Coding change: c.5744A>G on transcript NM_002114.4 (MANE Select); coding-DNA position 5744, A replaced by G.
Protein change: p.Gln1915Arg; replaces glutamine 1915 with arginine.
Molecular consequence: missense variant.
Genome position (GRCh38, 1-based): chr6:12,125,539, A>G. VCF-style: chr6-12125539-A-G. GRCh37 (hg19) VCF-style: chr6-12125772-A-G.
Other names: short protein forms Q1915R.
Identifiers: ClinVar variation 402938 (VCV000402938.4), dbSNP rs1126472, ClinGen allele CA3638010.